The following is an entry in ClinVar:

ClinVar aggregate classification (germline): Uncertain significance. Review status: criteria provided, multiple submitters, no conflicts (2 of 4 stars). 5 submissions from 5 submitters: Uncertain significance (2). 3 of the submissions do not count toward it. Last evaluated 2023-11-02.

Conditions:
Arrhythmogenic right ventricular cardiomyopathy (ARVD). Also called: Cardiomyopathy, ARVC; Arrhythmogenic right ventricular dysplasia; Arrhythmogenic cardiomyopathy; Arrhythmogenic Right Ventricular Cardiomyopathy (ARVC). Identifiers: Orphanet 247, MedGen C0349788, MeSH D019571, MONDO:0016587. Disease mechanism: loss of function. Inheritance: Various modes of inheritance.
Cardiomyopathy (CMYO). Also called: Cardiomyopathies. Identifiers: Orphanet 167848, MedGen C0878544, MONDO:0004994, HP:0001638. Inheritance: Various modes of inheritance.

Allele frequency attached by ClinVar (database versions not stated): gnomAD exomes below 0.00001; TOPMed below 0.00001.
gnomAD v4.1: 2 of 1,613,962 alleles (0.00012%); highest among the groups gnomAD compares: Non-Finnish European, 0.00017%; no homozygotes.

Submissions (5):

All of Us Research Program, National Institutes of Health
Classification: Uncertain significance for Arrhythmogenic right ventricular cardiomyopathy. Last evaluated: 2023-11-02. Review status: criteria provided, single submitter. Criteria: ACMG Guidelines, 2015. Collection method: clinical testing. Allele origin: germline. Inheritance: Autosomal dominant inheritance. Observed: 1 variant allele, 1 heterozygote.
Comment: This missense variant replaces glutamine with histidine at codon 278 of the PKP2 protein. Computational prediction suggests that this variant may not impact protein structure and function (internally defined REVEL score threshold <= 0.5, PMID: 27666373). To our knowledge, functional studies have not been reported for this variant. This variant has not been reported in individuals affected with PKP2-related disorders in the literature. This variant has not been identified in the general population by the Genome Aggregation Database (gnomAD). The available evidence is insufficient to determine the role of this variant in disease conclusively. Therefore, this variant is classified as a Variant of Uncertain Significance.

This study involves interpretation of variants in research participants for the purpose of population health screening. Participant phenotype was not available at the time of variant classification. Additional details can be found in publication PMID: 35346344, PMCID: PMC8962531

Color Diagnostics, LLC DBA Color Health
Classification: Uncertain significance for Cardiomyopathy. Last evaluated: 2022-11-06. Review status: criteria provided, single submitter. Criteria: ACMG Guidelines, 2015. Collection method: clinical testing. Allele origin: germline.
Comment: This missense variant replaces glutamine with histidine at codon 278 of the PKP2 protein. Computational prediction suggests that this variant may not impact protein structure and function (internally defined REVEL score threshold <= 0.5, PMID: 27666373). To our knowledge, functional studies have not been reported for this variant. This variant has not been reported in individuals affected with PKP2-related disorders in the literature. This variant has not been identified in the general population by the Genome Aggregation Database (gnomAD). The available evidence is insufficient to determine the role of this variant in disease conclusively. Therefore, this variant is classified as a Variant of Uncertain Significance.

Diagnostic Laboratory, Department of Genetics, University Medical Center Groningen
Classification: Uncertain significance. Review status: no assertion criteria provided. Collection method: clinical testing. Allele origin: germline. Affected: yes. Study: VKGL Data-share Consensus. Not counted in ClinVar's aggregate classification.

Genome Diagnostics Laboratory, University Medical Center Utrecht
Classification: Uncertain significance. Review status: no assertion criteria provided. Collection method: clinical testing. Allele origin: germline. Affected: yes. Study: VKGL Data-share Consensus. Not counted in ClinVar's aggregate classification.

Joint Genome Diagnostic Labs from Nijmegen and Maastricht, Radboudumc and MUMC+
Classification: Uncertain significance. Review status: no assertion criteria provided. Collection method: clinical testing. Allele origin: germline. Affected: yes. Study: VKGL Data-share Consensus. Not counted in ClinVar's aggregate classification.

NM_001005242.3(PKP2):c.834G>T (p.Gln278His)

Gene: PKP2 (plakophilin 2; minus strand). Cytogenetic location: 12p11.21.
Variant type: single nucleotide variant.
Coding change: c.834G>T on transcript NM_001005242.3 (MANE Select); coding-DNA position 834, G replaced by T.
Protein change: p.Gln278His; replaces glutamine 278 with histidine.
Molecular consequence: missense variant.
Genome position (GRCh38, 1-based): chr12:32,878,046, C>A on the plus strand (G>T on the coding strand, the complement: PKP2 is on the minus strand). VCF-style: chr12-32878046-C-A. GRCh37 (hg19) VCF-style: chr12-33030980-C-A.
Other names: c.834G>T, p.Gln278His (NM_004572.4); short protein forms Q278H.
Identifiers: ClinVar variation 1174967 (VCV001174967.8), dbSNP rs1956949832, ClinGen allele CA384362217.